The following is an entry in ClinVar:

ClinVar aggregate classification (germline): Pathogenic (1 of 4 stars; one submission).

Conditions:
Cardiovascular phenotype. Identifiers: MedGen CN230736.
Hereditary cancer-predisposing syndrome. Also called: Neoplastic Syndromes, Hereditary; Tumor predisposition; Hereditary Cancer Syndrome; Hereditary neoplastic syndrome. Identifiers: Orphanet 140162, MedGen C0027672, MeSH D009386, MONDO:0015356.

Submission:

Ambry Genetics
Classification: Pathogenic for Cardiovascular phenotype; Hereditary cancer-predisposing syndrome. Last evaluated: 2026-05-21. Review status: criteria provided, single submitter. Criteria: Ambry Variant Classification Scheme 2023. Collection method: clinical testing. Allele origin: germline.
Comment: The c.811delG pathogenic mutation, located in coding exon 9 of the LZTR1 gene, results from a deletion of one nucleotide at nucleotide position 811, causing a translational frameshift with a predicted alternate stop codon (p.E271Nfs*80). This variant is considered to be rare based on population cohorts in the Genome Aggregation Database (gnomAD). This variant is expected to result in loss of function by premature protein truncation or nonsense-mediated mRNA decay. Loss-of-function variants in LZTR1 are related to an increased risk for schwannomas and autosomal recessive Noonan syndrome; however, such associations with autosomal dominant Noonan syndrome have not been observed (Piotrowski A et al. Nat Genet. 2014 Feb;46:182-7; Yamamoto GL et al. J Med Genet. 2015 Jun;52:413-21; Johnston JJ et al. Genet Med. 2018 10;20:1175-1185). Based on the supporting evidence, this variant is pathogenic for an increased risk of LZTR1-related schwannomatosis (SWN) and would be expected to cause autosomal recessive Noonan syndrome when present along with a second pathogenic or likely pathogenic variant on the other allele; however, the association of this variant with autosomal dominant Noonan syndrome is unlikely.

NM_006767.4(LZTR1):c.811del (p.Glu271fs)

Gene: LZTR1 (leucine zipper like post translational regulator 1; plus strand). Cytogenetic location: 22q11.21.
Variant type: Deletion.
Coding change: c.811del on transcript NM_006767.4 (MANE Select); coding-DNA position 811, one base deleted (G; older notation c.811delG).
Protein change: p.Glu271fs; shifts the reading frame from glutamic acid 271.
Molecular consequence: frameshift variant.
Genome position (GRCh38, 1-based): chr22:20,991,647, G deleted. VCF-style (leftmost placement, unchanged base first): chr22-20991646-TG-T. GRCh37 (hg19) VCF-style: chr22-21345935-TG-T.
Other names: short protein forms E271fs.
Identifiers: ClinVar variation 4859413 (VCV004859413.1).